The following is an entry in ClinVar:

ClinVar aggregate classification (germline): Uncertain significance. Review status: criteria provided, multiple submitters, no conflicts (2 of 4 stars). 2 submissions from 2 submitters: Uncertain significance (2). Last evaluated 2024-08-11.

Conditions:
Primary ciliary dyskinesia 28. Also called: CILIARY DYSKINESIA, PRIMARY, 28, WITH OR WITHOUT SITUS INVERSUS. Identifiers: Orphanet 244, MedGen C3809706, MONDO:0014216, OMIM 615505.
Primary ciliary dyskinesia. Also called: Ciliary dyskinesia. Identifiers: Orphanet 244, MedGen C0008780, MONDO:0016575, HP:0012265.

Allele frequency attached by ClinVar (database versions not stated): ExAC 0.00003; gnomAD 0.00005; ESP Exome Variant Server 0.00008; TOPMed 0.00009.

Submissions (2):

Ambry Genetics
Classification: Uncertain significance for Primary ciliary dyskinesia. Last evaluated: 2024-08-11. Review status: criteria provided, single submitter. Criteria: Ambry Variant Classification Scheme 2023. Collection method: clinical testing. Allele origin: germline.

Labcorp Genetics (formerly Invitae), Labcorp
Classification: Uncertain significance for Primary ciliary dyskinesia 28. Last evaluated: 2022-12-22. Review status: criteria provided, single submitter. Criteria: Invitae Variant Classification Sherloc (09022015). Collection method: clinical testing. Allele origin: germline.
Comment: In summary, the available evidence is currently insufficient to determine the role of this variant in disease. Therefore, it has been classified as a Variant of Uncertain Significance. Advanced modeling of protein sequence and biophysical properties (such as structural, functional, and spatial information, amino acid conservation, physicochemical variation, residue mobility, and thermodynamic stability) performed at Invitae indicates that this missense variant is not expected to disrupt SPAG1 protein function. This variant has not been reported in the literature in individuals affected with SPAG1-related conditions. The frequency data for this variant in the population databases is considered unreliable, as metrics indicate poor data quality at this position in the gnomAD database. This sequence change replaces threonine, which is neutral and polar, with methionine, which is neutral and non-polar, at codon 181 of the SPAG1 protein (p.Thr181Met).

NM_003114.5(SPAG1):c.542C>T (p.Thr181Met)

Gene: SPAG1 (sperm associated antigen 1; plus strand). Cytogenetic location: 8q22.2.
Variant type: single nucleotide variant.
Coding change: c.542C>T on transcript NM_003114.5 (MANE Select); coding-DNA position 542, C replaced by T.
Protein change: p.Thr181Met; replaces threonine 181 with methionine.
Molecular consequence: missense variant.
Genome position (GRCh38, 1-based): chr8:100,184,009, C>T. VCF-style: chr8-100184009-C-T. GRCh37 (hg19) VCF-style: chr8-101196237-C-T.
Other names: c.542C>T (NM_172218.2); c.542C>T, p.Thr181Met (NM_001374321.1, NM_172218.3); short protein forms T181M.
Identifiers: ClinVar variation 2750118 (VCV002750118.3), dbSNP rs373564145, ClinGen allele CA4827290.